The following is an entry in ClinVar:

ClinVar aggregate classification (germline): Pathogenic (1 of 4 stars; one submission).

Submission:

GeneDx
Classification: Pathogenic. Last evaluated: 2025-03-20. Review status: criteria provided, single submitter. Criteria: GeneDx Variant Classification Process June 2021. Collection method: clinical testing. Allele origin: germline. Affected: yes.
Comment: Canonical splice site variant predicted to result in a null allele in a gene for which loss of function is a known mechanism of disease; Not observed at significant frequency in large population cohorts (gnomAD); Has not been previously published as pathogenic or benign to our knowledge

NM_001349338.3(FOXP1):c.1147-1G>A

Gene: FOXP1 (forkhead box P1; minus strand). Cytogenetic location: 3p13.
Variant type: single nucleotide variant.
Coding change: c.1147-1G>A on transcript NM_001349338.3 (MANE Select); the canonical splice acceptor site of the intron before coding-DNA position 1147, G replaced by A.
Molecular consequence: splice acceptor variant.
Genome position (GRCh38, 1-based): chr3:70,978,030, C>T on the plus strand (G>A on the coding strand, the complement: FOXP1 is on the minus strand). VCF-style: chr3-70978030-C-T. GRCh37 (hg19) VCF-style: chr3-71027181-C-T.
Other names: c.1147-1G>A (NM_001244810.2, NM_032682.6, NM_001349340.3 and 3 more transcripts); c.1144-1G>A (NM_001349341.3); c.919-1G>A (NM_001244812.3); c.844-1G>A (NM_001349343.3, NM_001349337.2, NM_001349344.3); c.847-1G>A (NM_001349342.3, NM_001370548.1, NM_001244815.2 and 1 more transcripts).
Identifiers: ClinVar variation 4086326 (VCV004086326.1).
Genomic context (GRCh38, chr3:70,978,030, plus strand): 5'-GCTCTGTGGAGAAGCCTCCGATGCGGACTTGGAGAGAGTGACACTTGATACCAGATTCAA[C>T]TGCAAGGAAAAAAACAACGTCTTAGAAGACCTTCAGAAAACCAGAGCAACCCAGGAACCA-3'